The following is an entry in ClinVar:

ClinVar aggregate classification (germline): Pathogenic/Likely pathogenic. Review status: criteria provided, multiple submitters, no conflicts (2 of 4 stars). 2 submissions from 2 submitters: Pathogenic (1); Likely pathogenic (1). Last evaluated 2025-08-27.

Conditions:
SCLT1-related disorder. Also called: SCLT1-related condition.

Allele frequency attached by ClinVar (database versions not stated): ExAC 0.00003; gnomAD 0.00001.
gnomAD v4.1: 12 of 1,566,542 alleles (0.00077%); highest among the groups gnomAD compares: African/African-American, 0.0027%; no homozygotes.

Submissions (2):

PreventionGenetics, part of Exact Sciences
Classification: Likely pathogenic for SCLT1-related condition. Last evaluated: 2025-08-27. Review status: criteria provided, single submitter. Criteria: ACMG Guidelines, 2015. Collection method: clinical testing. Allele origin: germline.
Comment: The SCLT1 c.1186C>T variant is predicted to result in premature protein termination (p.Arg396*). To our knowledge, this variant has not been previously reported in the literature in association with disease. This variant is reported in 0.0050% of alleles in individuals of East Asian descent in gnomAD. Nonsense variants in SCLT1 are expected to be pathogenic. This variant is interpreted as likely pathogenic.

Labcorp Genetics (formerly Invitae), Labcorp
Classification: Pathogenic. Last evaluated: 2023-04-13. Review status: criteria provided, single submitter. Criteria: Invitae Variant Classification Sherloc (09022015). Collection method: clinical testing. Allele origin: germline.
Comment: For these reasons, this variant has been classified as Pathogenic. Algorithms developed to predict the effect of sequence changes on RNA splicing suggest that this variant may disrupt the consensus splice site. This variant has not been reported in the literature in individuals affected with SCLT1-related conditions. This variant is present in population databases (rs758308700, gnomAD 0.008%). This sequence change creates a premature translational stop signal (p.Arg396*) in the SCLT1 gene. It is expected to result in an absent or disrupted protein product. Loss-of-function variants in SCLT1 are known to be pathogenic (PMID: 28005958).

Literature cited by the submitters: PubMed 28005958 (cited by Labcorp Genetics (formerly Invitae), Labcorp).

NM_144643.4(SCLT1):c.1186C>T (p.Arg396Ter)

Gene: SCLT1 (sodium channel and clathrin linker 1; minus strand). Cytogenetic location: 4q28.2.
Variant type: single nucleotide variant.
Coding change: c.1186C>T on transcript NM_144643.4 (MANE Select); coding-DNA position 1186, C replaced by T.
Protein change: p.Arg396Ter; replaces arginine 396 with a stop codon.
Molecular consequence: nonsense.
Genome position (GRCh38, 1-based): chr4:128,952,801, G>A on the plus strand (C>T on the coding strand, the complement: SCLT1 is on the minus strand). VCF-style: chr4-128952801-G-A. GRCh37 (hg19) VCF-style: chr4-129873956-G-A.
Other names: c.1186C>T, p.Arg396Ter (NM_001410807.1); c.1186C>T (NM_144643.3); short protein forms R396*.
Identifiers: ClinVar variation 2984992 (VCV002984992.4), dbSNP rs758308700, ClinGen allele CA3079712.